The following is an entry in ClinVar:

NM_024753.5(TTC21B):c.3200G>C (p.Cys1067Ser)

Gene: TTC21B (tetratricopeptide repeat domain 21B; minus strand). Cytogenetic location: 2q24.3.
Variant type: single nucleotide variant.
Coding change: c.3200G>C on transcript NM_024753.5 (MANE Select); coding-DNA position 3200, G replaced by C.
Protein change: p.Cys1067Ser; replaces cysteine 1067 with serine.
Molecular consequence: missense variant.
Genome position (GRCh38, 1-based): chr2:165,890,542, C>G on the plus strand (G>C on the coding strand, the complement: TTC21B is on the minus strand). VCF-style: chr2-165890542-C-G. GRCh37 (hg19) VCF-style: chr2-166747052-C-G.
Other names: short protein forms C1067S.
Identifiers: ClinVar variation 5000377 (VCV005000377.1).

ClinVar aggregate classification (germline): Uncertain significance (1 of 4 stars; one submission).

Conditions:
TTC21B-related disorder. Also called: TTC21B-related disorders; TTC21B-related condition.

Submission:

PreventionGenetics, part of Exact Sciences
Classification: Uncertain significance for TTC21B-related condition. Last evaluated: 2026-08-12. Review status: criteria provided, single submitter. Criteria: ACMG Guidelines, 2015. Collection method: clinical testing. Allele origin: germline.
Comment: The TTC21B c.3200G>C variant is predicted to result in the amino acid substitution p.Cys1067Ser. To our knowledge, this variant has not been reported in the literature or in a large population database (gnomAD), indicating this variant is rare. At this time, the clinical significance of this variant is uncertain due to the absence of conclusive functional and genetic evidence.